The following is an entry in ClinVar:

ClinVar aggregate classification (germline): Uncertain significance (1 of 4 stars; one submission).

Submission:

Ambry Genetics
Classification: Uncertain significance. Last evaluated: 2025-11-07. Review status: criteria provided, single submitter. Criteria: Ambry Variant Classification Scheme 2023. Collection method: clinical testing. Allele origin: germline.
Comment: The p.P328L variant (also known as c.983C>T), located in coding exon 10 of the RASA2 gene, results from a C to T substitution at nucleotide position 983. The proline at codon 328 is replaced by leucine, an amino acid with similar properties. This amino acid position is conserved. In addition, this alteration is predicted to be tolerated by in silico analysis. Based on the available evidence, the clinical significance of this variant remains unclear.

NM_006506.5(RASA2):c.983C>T (p.Pro328Leu)

Gene: RASA2 (RAS p21 protein activator 2; plus strand). Cytogenetic location: 3q23.
Variant type: single nucleotide variant.
Coding change: c.983C>T on transcript NM_006506.5 (MANE Select); coding-DNA position 983, C replaced by T.
Protein change: p.Pro328Leu; replaces proline 328 with leucine.
Molecular consequence: missense variant.
Genome position (GRCh38, 1-based): chr3:141,571,031, C>T. VCF-style: chr3-141571031-C-T. GRCh37 (hg19) VCF-style: chr3-141289873-C-T.
Other names: c.983C>T, p.Pro328Leu (NM_001303245.3, NM_001303246.3); short protein forms P328L.
Identifiers: ClinVar variation 4575857 (VCV004575857.1).